The following is an entry in ClinVar:

ClinVar aggregate classification (germline): Likely benign (1 of 4 stars; one submission).

Allele frequency attached by ClinVar (database versions not stated): 1000 Genomes Project 30x 0.00375; ESP Exome Variant Server 0.00408; gnomAD 0.00411; TOPMed 0.00411; 1000 Genomes Project 0.00419; gnomAD exomes 0.00442; ExAC 0.00562.

Submission:

CeGaT Center for Human Genetics Tuebingen
Classification: Likely benign. Last evaluated: 2023-02-01. Review status: criteria provided, single submitter. Criteria: CeGaT Center For Human Genetics Tuebingen Variant Classification Criteria Version 2. Collection method: clinical testing. Allele origin: germline. Affected: yes. Observed: 1 variant allele.
Comment: FBXW12: BP4, BS2

NM_207102.2(FBXW12):c.556A>G (p.Met186Val)

Gene: FBXW12 (F-box and WD repeat domain containing 12; plus strand). Cytogenetic location: 3p21.31.
Variant type: single nucleotide variant.
Coding change: c.556A>G on transcript NM_207102.2 (MANE Select); coding-DNA position 556, A replaced by G.
Protein change: p.Met186Val; replaces methionine 186 with valine.
Molecular consequence: missense variant. On other transcripts: intron variant (1).
Genome position (GRCh38, 1-based): chr3:48,378,467, A>G. VCF-style: chr3-48378467-A-G. GRCh37 (hg19) VCF-style: chr3-48419957-A-G.
Other names: c.499A>G, p.Met167Val (NM_001159929.1); c.406-933A>G (NM_001159927.1); short protein forms M167V, M186V.
Identifiers: ClinVar variation 2653786 (VCV002653786.24), dbSNP rs112908035, ClinGen allele CA2373323.